The following is an entry in ClinVar:

ClinVar aggregate classification (germline): Uncertain significance (1 of 4 stars; one submission).

Submission:

Labcorp Genetics (formerly Invitae), Labcorp
Classification: Uncertain significance. Last evaluated: 2022-09-05. Review status: criteria provided, single submitter. Criteria: Invitae Variant Classification Sherloc (09022015). Collection method: clinical testing. Allele origin: germline.
Comment: In summary, the available evidence is currently insufficient to determine the role of this variant in disease. Therefore, it has been classified as a Variant of Uncertain Significance. Algorithms developed to predict the effect of missense changes on protein structure and function (SIFT, PolyPhen-2, Align-GVGD) all suggest that this variant is likely to be disruptive. This variant has not been reported in the literature in individuals affected with NEDD4L-related conditions. This variant is not present in population databases (gnomAD no frequency). This sequence change replaces tyrosine, which is neutral and polar, with cysteine, which is neutral and slightly polar, at codon 689 of the NEDD4L protein (p.Tyr689Cys).

NM_001144967.3(NEDD4L):c.2126A>G (p.Tyr709Cys)

Gene: NEDD4L (NEDD4 like E3 ubiquitin protein ligase; plus strand). Cytogenetic location: 18q21.31.
Variant type: single nucleotide variant.
Coding change: c.2126A>G on transcript NM_001144967.3 (MANE Select); coding-DNA position 2126, A replaced by G.
Protein change: p.Tyr709Cys; replaces tyrosine 709 with cysteine.
Molecular consequence: missense variant.
Genome position (GRCh38, 1-based): chr18:58,367,808, A>G. VCF-style: chr18-58367808-A-G. GRCh37 (hg19) VCF-style: chr18-56035040-A-G.
Other names: c.1763A>G, p.Tyr588Cys (NM_001144964.1, NM_001144965.2, NM_001144966.3); c.2102A>G, p.Tyr701Cys (NM_001144968.2); c.2042A>G, p.Tyr681Cys (NM_001144969.2); c.1703A>G, p.Tyr568Cys (NM_001144970.3, NM_001144971.2); c.1934A>G, p.Tyr645Cys (NM_001243960.2); c.2066A>G, p.Tyr689Cys (NM_015277.6); short protein forms Y568C, Y588C, Y645C, Y681C, Y689C, Y701C, Y709C.
Identifiers: ClinVar variation 1717426 (VCV001717426.5), dbSNP rs2517726551, ClinGen allele CA402549881.